The following is an entry in ClinVar:

NM_177939.3(P4HTM):c.1478G>A (p.Arg493Gln)

Gene: P4HTM (prolyl 4-hydroxylase, transmembrane; plus strand). Cytogenetic location: 3p21.31.
Variant type: single nucleotide variant.
Coding change: c.1478G>A on transcript NM_177939.3 (MANE Select); coding-DNA position 1478, G replaced by A.
Protein change: p.Arg493Gln; replaces arginine 493 with glutamine.
Molecular consequence: missense variant.
Genome position (GRCh38, 1-based): chr3:49,006,876, G>A. VCF-style: chr3-49006876-G-A. GRCh37 (hg19) VCF-style: chr3-49044309-G-A.
Other names: c.1661G>A, p.Arg554Gln (NM_177938.2); short protein forms R554Q, R493Q.
Identifiers: ClinVar variation 2207379 (VCV002207379.4), dbSNP rs150242336, ClinGen allele CA2388633.

ClinVar aggregate classification (germline): Uncertain significance. Review status: criteria provided, multiple submitters, no conflicts (2 of 4 stars). 2 submissions from 2 submitters: Uncertain significance (2). Last evaluated 2026-06-01.

Conditions:
Inborn genetic diseases. Identifiers: MedGen C0950123, MeSH D030342.

Allele frequency attached by ClinVar (database versions not stated): ExAC 0.00004; ESP Exome Variant Server 0.00008; gnomAD 0.00013; TOPMed 0.00022; 1000 Genomes Project 30x 0.00031; 1000 Genomes Project 0.00040.
gnomAD v4.1: 40 of 1,612,620 alleles (0.0025%); highest among the groups gnomAD compares: African/African-American, 0.047%; no homozygotes.

Submissions (2):

Greenwood Genetic Center Diagnostic Laboratories, Greenwood Genetic Center
Classification: Uncertain significance. Last evaluated: 2026-06-01. Review status: criteria provided, single submitter. Criteria: ACMG Guidelines, 2015. Collection method: clinical testing. Allele origin: germline.
Comment: PM2, PM3_Supporting, BP4

Ambry Genetics
Classification: Uncertain significance for Inborn genetic diseases. Last evaluated: 2025-06-03. Review status: criteria provided, single submitter. Criteria: Ambry Variant Classification Scheme 2023. Collection method: clinical testing. Allele origin: germline.